The following is an entry in ClinVar:

NM_032119.4(ADGRV1):c.2538G>A (p.Leu846=)

Gene: ADGRV1 (adhesion G protein-coupled receptor V1; plus strand). Cytogenetic location: 5q14.3.
Variant type: single nucleotide variant.
Coding change: c.2538G>A on transcript NM_032119.4 (MANE Select); coding-DNA position 2538, G replaced by A.
Protein change: p.Leu846=; no amino-acid change (leucine 846 retained).
Molecular consequence: synonymous variant. On other transcripts: non-coding transcript variant (1).
Genome position (GRCh38, 1-based): chr5:90,643,026, G>A. VCF-style: chr5-90643026-G-A. GRCh37 (hg19) VCF-style: chr5-89938843-G-A.
Other names: c.2538G>A (NM_032119.3).
Identifiers: ClinVar variation 502576 (VCV000502576.16), dbSNP rs375415491, ClinGen allele CA3338954.

ClinVar aggregate classification (germline): Conflicting classifications of pathogenicity. Review status: criteria provided, conflicting classifications (1 of 4 stars). 4 submissions from 4 submitters: Uncertain significance (1); Likely benign (3). Last evaluated 2026-01-13.

Conditions:
ADGRV1-related disorder. Also called: ADGRV1-related condition; ADGRV1-related disorders.

Allele frequency attached by ClinVar (database versions not stated): gnomAD exomes 0.00013 and 0.00014; ExAC 0.00015; gnomAD 0.00015; TOPMed 0.00020; ESP Exome Variant Server 0.00034.
gnomAD v4.1: 213 of 1,612,740 alleles (0.013%); highest among the groups gnomAD compares: Middle Eastern, 0.033%; no homozygotes.

Submissions (4):

Labcorp Genetics (formerly Invitae), Labcorp
Classification: Likely benign. Last evaluated: 2026-01-13. Review status: criteria provided, single submitter. Criteria: Invitae Variant Classification Sherloc (09022015). Collection method: clinical testing. Allele origin: germline.

PreventionGenetics, part of Exact Sciences
Classification: Likely benign for ADGRV1-related condition. Last evaluated: 2025-06-13. Review status: criteria provided, single submitter. Criteria: ACMG Guidelines, 2015. Collection method: clinical testing. Allele origin: germline.
Comment: This variant is classified as likely benign based on ACMG/AMP sequence variant interpretation guidelines (Richards et al. 2015 PMID: 25741868, with internal and published modifications).

Blueprint Genetics
Classification: Likely benign. Last evaluated: 2024-10-14. Review status: criteria provided, single submitter. Criteria: ACMG Guidelines, 2015. Collection method: clinical testing. Allele origin: germline.

Eurofins Ntd Llc (ga)
Classification: Uncertain significance. Last evaluated: 2017-06-26. Review status: criteria provided, single submitter. Criteria: EGL Classification Definitions 2015. Collection method: clinical testing. Allele origin: germline. Observed: 1 variant allele, 1 heterozygote.